The following is an entry in ClinVar:

NM_025265.4(TSEN2):c.872A>G (p.Tyr291Cys)

Gene: TSEN2 (tRNA splicing endonuclease subunit 2; plus strand). Cytogenetic location: 3p25.2.
Variant type: single nucleotide variant.
Coding change: c.872A>G on transcript NM_025265.4 (MANE Select); coding-DNA position 872, A replaced by G.
Protein change: p.Tyr291Cys; replaces tyrosine 291 with cysteine.
Molecular consequence: missense variant. On other transcripts: non-coding transcript variant (1), intron variant (2).
Genome position (GRCh38, 1-based): chr3:12,505,194, A>G. VCF-style: chr3-12505194-A-G. GRCh37 (hg19) VCF-style: chr3-12546693-A-G.
Other names: c.872A>G, p.Tyr291Cys (NM_001145392.2, NM_001321277.2, NM_001321278.2); c.695A>G, p.Tyr232Cys (NM_001145394.2); c.831+1410A>G (NM_001321279.2, NM_001145393.3); short protein forms Y232C, Y291C.
Identifiers: ClinVar variation 212445 (VCV000212445.15), dbSNP rs140979604, ClinGen allele CA205461.

ClinVar aggregate classification (germline): Uncertain significance. Review status: criteria provided, multiple submitters, no conflicts (2 of 4 stars). 4 submissions from 4 submitters: Uncertain significance (4). Last evaluated 2023-11-27.

Conditions:
Pontoneocerebellar hypoplasia. Also called: Pontocerebellar hypoplasia; Non-syndromic pontocerebellar hypoplasia. Identifiers: Orphanet 98523, MedGen C1261175, MONDO:0020135.

Allele frequency attached by ClinVar (database versions not stated): ESP Exome Variant Server 0.00008; gnomAD exomes 0.00013 and 0.00031; gnomAD 0.00016 and 0.00018; TOPMed 0.00022; ExAC 0.00029; 1000 Genomes Project 0.00080; 1000 Genomes Project 30x 0.00094.
gnomAD v4.1: 237 of 1,612,184 alleles (0.015%); highest among the groups gnomAD compares: Middle Eastern, 0.13%; 3 homozygotes.

Submissions (5):

Labcorp Genetics (formerly Invitae), Labcorp
Classification: Uncertain significance. Last evaluated: 2023-11-27. Review status: criteria provided, single submitter. Criteria: Invitae Variant Classification Sherloc (09022015). Collection method: clinical testing. Allele origin: germline.
Comment: This sequence change replaces tyrosine, which is neutral and polar, with cysteine, which is neutral and slightly polar, at codon 291 of the TSEN2 protein (p.Tyr291Cys). This variant is present in population databases (rs140979604, gnomAD 0.2%). This variant has not been reported in the literature in individuals affected with TSEN2-related conditions. ClinVar contains an entry for this variant (Variation ID: 212445). Advanced modeling of protein sequence and biophysical properties (such as structural, functional, and spatial information, amino acid conservation, physicochemical variation, residue mobility, and thermodynamic stability) performed at Invitae indicates that this missense variant is expected to disrupt TSEN2 protein function with a positive predictive value of 80%. In summary, the available evidence is currently insufficient to determine the role of this variant in disease. Therefore, it has been classified as a Variant of Uncertain Significance.

GeneDx
Classification: Uncertain significance. Last evaluated: 2019-11-21. Review status: criteria provided, single submitter. Criteria: GeneDx Variant Classification Process June 2021. Collection method: clinical testing. Allele origin: germline. Affected: yes.
Comment: In silico analysis, which includes protein predictors and evolutionary conservation, supports a deleterious effect; Has not been previously published as pathogenic or benign to our knowledge

Illumina Laboratory Services, Illumina
Classification: Uncertain significance for Pontoneocerebellar hypoplasia. Last evaluated: 2018-01-13. Review status: criteria provided, single submitter. Criteria: ICSL Variant Classification Criteria 13 December 2019. Collection method: clinical testing. Allele origin: germline.

Genetic Services Laboratory, University of Chicago
Classification: Uncertain significance. Last evaluated: 2015-04-14. Review status: criteria provided, single submitter. Criteria: ACMG Guidelines, 2015. Collection method: clinical testing. Allele origin: germline.

Dr. Peter K. Rogan Lab, Western University
No classification provided (evidence only). Condition: Thyroid cancer, nonmedullary, 1. Review status: no classification provided. Collection method: in vitro. Allele origin: not applicable. Functional consequence: retained intron. Not counted in ClinVar's aggregate classification.